The following is an entry in ClinVar:

NM_001852.4(COL9A2):c.799G>A (p.Glu267Lys)

Gene: COL9A2 (collagen type IX alpha 2 chain; minus strand). Cytogenetic location: 1p34.2.
Variant type: single nucleotide variant.
Coding change: c.799G>A on transcript NM_001852.4 (MANE Select); coding-DNA position 799, G replaced by A.
Protein change: p.Glu267Lys; replaces glutamic acid 267 with lysine.
Molecular consequence: missense variant.
Genome position (GRCh38, 1-based): chr1:40,309,985, C>T on the plus strand (G>A on the coding strand, the complement: COL9A2 is on the minus strand). VCF-style: chr1-40309985-C-T. GRCh37 (hg19) VCF-style: chr1-40775657-C-T.
Other names: c.799G>A (NM_001852.3); short protein forms E267K.
Identifiers: ClinVar variation 1950761 (VCV001950761.6), dbSNP rs1241011847, ClinGen allele CA339853757.

ClinVar aggregate classification (germline): Uncertain significance. Review status: criteria provided, multiple submitters, no conflicts (2 of 4 stars). 2 submissions from 2 submitters: Uncertain significance (2). Last evaluated 2025-07-15.

Conditions:
Inborn genetic diseases. Identifiers: MedGen C0950123, MeSH D030342.

Allele frequency attached by ClinVar (database versions not stated): gnomAD 0.00001; gnomAD exomes 0.00001; TOPMed 0.00001.

Submissions (2):

Ambry Genetics
Classification: Uncertain significance for Inborn genetic diseases. Last evaluated: 2025-07-15. Review status: criteria provided, single submitter. Criteria: Ambry Variant Classification Scheme 2023. Collection method: clinical testing. Allele origin: germline.

Labcorp Genetics (formerly Invitae), Labcorp
Classification: Uncertain significance. Last evaluated: 2024-12-19. Review status: criteria provided, single submitter. Criteria: Invitae Variant Classification Sherloc (09022015). Collection method: clinical testing. Allele origin: germline.
Comment: This sequence change replaces glutamic acid, which is acidic and polar, with lysine, which is basic and polar, at codon 267 of the COL9A2 protein (p.Glu267Lys). This variant is present in population databases (no rsID available, gnomAD 0.007%). This variant has not been reported in the literature in individuals affected with COL9A2-related conditions. ClinVar contains an entry for this variant (Variation ID: 1950761). Invitae Evidence Modeling of protein sequence and biophysical properties (such as structural, functional, and spatial information, amino acid conservation, physicochemical variation, residue mobility, and thermodynamic stability) indicates that this missense variant is not expected to disrupt COL9A2 protein function with a negative predictive value of 95%. In summary, the available evidence is currently insufficient to determine the role of this variant in disease. Therefore, it has been classified as a Variant of Uncertain Significance.